The following is an entry in ClinVar:

NM_018139.3(DNAAF2):c.1228T>C (p.Ser410Pro)

Genes: DNAAF2 (dynein axonemal assembly factor 2; minus strand), LOC130055542 (ATAC-STARR-seq lymphoblastoid silent region 5699; plus strand). Cytogenetic location: 14q21.3.
Variant type: single nucleotide variant.
Coding change: c.1228T>C on transcript NM_018139.3 (MANE Select); coding-DNA position 1228, T replaced by C.
Protein change: p.Ser410Pro; replaces serine 410 with proline.
Molecular consequence: missense variant. On other transcripts: 5 prime UTR variant (1).
Genome position (GRCh38, 1-based): chr14:49,633,922, A>G on the plus strand (T>C on the coding strand, the complement: DNAAF2 is on the minus strand). VCF-style: chr14-49633922-A-G. GRCh37 (hg19) VCF-style: chr14-50100640-A-G.
Other names: c.1228T>C, p.Ser410Pro (NM_001083908.2); c.-644T>C (NM_001378453.1); short protein forms S410P.
Identifiers: ClinVar variation 454898 (VCV000454898.9), dbSNP rs746189091, ClinGen allele CA7172949.
Genomic context (GRCh38, chr14:49,633,922, plus strand): 5'-CCTCTCCAGCTGCGGCCGGCGGAGGCGCCACCTCCGGGTCGCCCAGGGTGGTGACCCCGG[A>G]GCCCGCAGCCCCAGCCACGCAGGTATCGTGGCCTCCGTCCTCCGCGCGACTCCTCGCGGG-3'
Protein context (NP_060609.2, residues 400-420): HDTCVAGAAG[Ser410Pro]GVTTLGDPEV

ClinVar aggregate classification (germline): Uncertain significance. Review status: criteria provided, multiple submitters, no conflicts (2 of 4 stars). 2 submissions from 2 submitters: Uncertain significance (2). Last evaluated 2024-05-26.

Conditions:
Primary ciliary dyskinesia. Also called: Ciliary dyskinesia. Identifiers: Orphanet 244, MedGen C0008780, MONDO:0016575, HP:0012265.

Allele frequency attached by ClinVar (database versions not stated): ExAC below 0.00001; gnomAD 0.00002; gnomAD exomes 0.00005.
gnomAD v4.1: 208 of 1,531,272 alleles (0.014%); highest among the groups gnomAD compares: Non-Finnish European, 0.018%; no homozygotes.

Submissions (2):

Ambry Genetics
Classification: Uncertain significance for Primary ciliary dyskinesia. Last evaluated: 2024-05-26. Review status: criteria provided, single submitter. Criteria: Ambry Variant Classification Scheme 2023. Collection method: clinical testing. Allele origin: germline.
Comment: The p.S410P variant (also known as c.1228T>C), located in coding exon 1 of the DNAAF2 gene, results from a T to C substitution at nucleotide position 1228. The serine at codon 410 is replaced by proline, an amino acid with similar properties. This amino acid position is conserved. In addition, this alteration is predicted to be tolerated by in silico analysis. Based on the available evidence, the clinical significance of this variant remains unclear.

Labcorp Genetics (formerly Invitae), Labcorp
Classification: Uncertain significance for Primary ciliary dyskinesia. Last evaluated: 2022-06-23. Review status: criteria provided, single submitter. Criteria: Invitae Variant Classification Sherloc (09022015). Collection method: clinical testing. Allele origin: germline.
Comment: This sequence change replaces serine, which is neutral and polar, with proline, which is neutral and non-polar, at codon 410 of the DNAAF2 protein (p.Ser410Pro). This variant is present in population databases (rs746189091, gnomAD 0.01%). This variant has not been reported in the literature in individuals affected with DNAAF2-related conditions. ClinVar contains an entry for this variant (Variation ID: 454898). Algorithms developed to predict the effect of missense changes on protein structure and function are either unavailable or do not agree on the potential impact of this missense change (SIFT: "Deleterious"; PolyPhen-2: "Benign"; Align-GVGD: "Class C0"). In summary, the available evidence is currently insufficient to determine the role of this variant in disease. Therefore, it has been classified as a Variant of Uncertain Significance.